The following is an entry in ClinVar:

ClinVar aggregate classification (germline): Likely benign. Review status: criteria provided, multiple submitters, no conflicts (2 of 4 stars). 3 submissions from 3 submitters: Likely benign (3). Last evaluated 2026-01-19.

Allele frequency attached by ClinVar (database versions not stated): ESP Exome Variant Server 0.00008; gnomAD 0.00015 and 0.00016.
gnomAD v4.1: 167 of 1,613,912 alleles (0.01%); highest among the groups gnomAD compares: Non-Finnish European, 0.012%; no homozygotes.

Submissions (3):

Labcorp Genetics (formerly Invitae), Labcorp
Classification: Likely benign. Last evaluated: 2026-01-19. Review status: criteria provided, single submitter. Criteria: Invitae Variant Classification Sherloc (09022015). Collection method: clinical testing. Allele origin: germline.

Blueprint Genetics
Classification: Likely benign. Last evaluated: 2024-07-04. Review status: criteria provided, single submitter. Criteria: ACMG Guidelines, 2015. Collection method: clinical testing. Allele origin: germline.

CeGaT Center for Human Genetics Tuebingen
Classification: Likely benign. Last evaluated: 2023-12-01. Review status: criteria provided, single submitter. Criteria: CeGaT Center For Human Genetics Tuebingen Variant Classification Criteria Version 2. Collection method: clinical testing. Allele origin: germline. Affected: yes. Observed: 2 variant alleles.
Comment: YWHAG: BP4, BP7

NM_012479.4(YWHAG):c.540C>T (p.Ser180=)

Gene: YWHAG (tyrosine 3-monooxygenase/tryptophan 5-monooxygenase activation protein gamma; minus strand). Cytogenetic location: 7q11.23.
Variant type: single nucleotide variant.
Coding change: c.540C>T on transcript NM_012479.4 (MANE Select); coding-DNA position 540, C replaced by T.
Protein change: p.Ser180=; no amino-acid change (serine 180 retained).
Molecular consequence: synonymous variant.
Genome position (GRCh38, 1-based): chr7:76,329,781, G>A on the plus strand (C>T on the coding strand, the complement: YWHAG is on the minus strand). VCF-style: chr7-76329781-G-A. GRCh37 (hg19) VCF-style: chr7-75959098-G-A.
Identifiers: ClinVar variation 1111816 (VCV001111816.33), dbSNP rs368289861, ClinGen allele CA4306521.
Genomic context (GRCh38, chr7:76,329,781, plus strand): 5'-CGCGGTCTTGGCCAAGTGGCACGCTTGCTCTGGGGCGTTCTGGATCTCATAGTAGAAGAC[G>A]GAGTAGTTAAGAGCCAGGCCTAATCGGATGGGGTGGGTGGGCTGCATGTGCTCTTTGCTG-3'
Protein context (NP_036611.2, residues 170-190): PIRLGLALNY[Ser180=]VFYYEIQNAP